The following is an entry in ClinVar:

NM_001267550.2(TTN):c.97405_97410delinsAC (p.Glu32469fs)

Genes: TTN (titin; minus strand), TTN-AS1 (TTN antisense RNA 1; plus strand). Cytogenetic location: 2q31.2.
Variant type: Indel.
Coding change: c.97405_97410delinsAC on transcript NM_001267550.2 (MANE Select); coding-DNA positions 97405 to 97410, GAGTAT replaced by AC.
Protein change: p.Glu32469fs; shifts the reading frame from glutamic acid 32469.
Molecular consequence: frameshift variant. On other transcripts: non-coding transcript variant (1).
Genome position (GRCh38, 1-based): chr2:178,542,346-178,542,351, ATACTC replaced by GT on the plus strand (GAGTAT replaced by AC on the coding strand, the reverse complement: TTN is on the minus strand). VCF-style: chr2-178542346-ATACTC-GT. GRCh37 (hg19) VCF-style: chr2-179407073-ATACTC-GT.
Other names: c.92482_92487delinsAC, p.Glu30828fs (NM_001256850.1); c.70210_70215delinsAC, p.Glu23404fs (NM_003319.4); c.89701_89706delinsAC, p.Glu29901fs (NM_133378.4); c.70585_70590delinsAC, p.Glu23529fs (NM_133432.3); c.70786_70791delinsAC, p.Glu23596fs (NM_133437.4); c.70210_70215delGAGTATinsAC (NM_003319.4); short protein forms E23404fs, E23529fs, E29901fs, E23596fs, E30828fs, E32469fs.
Identifiers: ClinVar variation 519163 (VCV000519163.6), dbSNP rs1553515430, ClinGen allele CA658795966.

ClinVar aggregate classification (germline): Likely pathogenic (1 of 4 stars; one submission).

Conditions:
Cardiovascular phenotype. Identifiers: MedGen CN230736.

Submission:

Ambry Genetics
Classification: Likely pathogenic for Cardiovascular phenotype. Last evaluated: 2023-01-25. Review status: criteria provided, single submitter. Criteria: Ambry Variant Classification Scheme 2023. Collection method: clinical testing. Allele origin: germline.
Comment: The c.70210_70215delGAGTATinsAC variant, located in coding exon 176 of the TTN gene, results from the deletion of 6 nucleotides and insertion of two nucleotides causing a translational frameshift with a predicted alternate stop codon (p.E23404Tfs*22). This exon is located in the A-band region of the N2-B isoform of the titin protein and is constitutively expressed in TTN transcripts (percent spliced in or PSI 100%). This variant is considered to be rare based on population cohorts in the Genome Aggregation Database (gnomAD). This alteration is expected to result in loss of function by premature protein truncation or nonsense-mediated mRNA decay. While truncating variants in TTN are present in 1-3% of the general population, truncating variants in the A-band are the most common cause of dilated cardiomyopathy (DCM) (Herman DS et al. N. Engl. J. Med., 2012 Feb;366:619-28; Roberts AM et al. Sci Transl Med, 2015 Jan;7:270ra6). TTN truncating variants encoded in constitutive exons (PSI >90%) have been found to be significantly associated with DCM regardless of their position in titin (Schafer S et al. Nat. Genet., 2017 01;49:46-53). Based on the majority of available evidence to date, this variant is likely to be pathogenic.